The following is an entry in ClinVar:

NM_006424.3(SLC34A2):c.524-1G>C

Gene: SLC34A2 (solute carrier family 34 member 2; plus strand). Cytogenetic location: 4p15.2.
Variant type: single nucleotide variant.
Coding change: c.524-1G>C on transcript NM_006424.3 (MANE Select); the canonical splice acceptor site of the intron before coding-DNA position 524, G replaced by C.
Molecular consequence: splice acceptor variant.
Genome position (GRCh38, 1-based): chr4:25,667,879, G>C. VCF-style: chr4-25667879-G-C. GRCh37 (hg19) VCF-style: chr4-25669501-G-C.
Other names: c.521-1G>C (NM_001177998.2, NM_001177999.2).
Identifiers: ClinVar variation 4277473 (VCV004277473.3).

ClinVar aggregate classification (germline): Pathogenic/Likely pathogenic. Review status: criteria provided, multiple submitters, no conflicts (2 of 4 stars). 2 submissions from 2 submitters: Pathogenic (1); Likely pathogenic (1). Last evaluated 2025-09-24.

Conditions:
PULMONARY ALVEOLAR MICROLITHIASIS. Identifiers: Orphanet 60025, MedGen C0155912, MONDO:0009928, OMIM 265100.

gnomAD v4.1: 4 of 1,605,904 alleles (0.00025%); highest among the groups gnomAD compares: East Asian, 0.0067%; no homozygotes.

Submissions (2):

Genesolutions, Medical Genetics Institutes, Ho Chi Minh City, Vietnam
Classification: Likely pathogenic for PULMONARY ALVEOLAR MICROLITHIASIS. Last evaluated: 2025-09-24. Review status: criteria provided, single submitter. Criteria: ACMG Guidelines, 2015. Collection method: clinical testing. Allele origin: germline. Affected: yes.

Juno Genomics, Hangzhou Juno Genomics, Inc
Classification: Pathogenic for PULMONARY ALVEOLAR MICROLITHIASIS. Review status: criteria provided, single submitter. Criteria: ACMG Guidelines, 2015. Collection method: clinical testing. Allele origin: germline.
Comment: Absent from controls (or at extremely low frequency if recessive) in Genome Aggregation Database.;Null variant in a gene where loss of function (LOF) is a known mechanism of disease.;For recessive disorders, detected in trans with a pathogenic variant.;Patient's phenotype or family history is highly specific for a disease with a single genetic etiology.